The following is an entry in ClinVar:

ClinVar aggregate classification (germline): Uncertain significance (1 of 4 stars; one submission).

Conditions:
Brachyolmia-amelogenesis imperfecta syndrome. Also called: PLATYSPONDYLY WITH AMELOGENESIS IMPERFECTA; Tooth agenesis, selective, 6; Dental anomalies and short stature. Identifiers: Orphanet 2899, MedGen C1832594, MONDO:0011018, OMIM 601216. Disease mechanism: loss of function.

Submission:

Labcorp Genetics (formerly Invitae), Labcorp
Classification: Uncertain significance for Brachyolmia-amelogenesis imperfecta syndrome. Last evaluated: 2024-10-22. Review status: criteria provided, single submitter. Criteria: Invitae Variant Classification Sherloc (09022015). Collection method: clinical testing. Allele origin: germline.
Comment: This variant, c.3673_3687del, results in the deletion of 5 amino acid(s) of the LTBP3 protein (p.Ser1225_Val1229del), but otherwise preserves the integrity of the reading frame. This variant is not present in population databases (gnomAD no frequency). This variant has not been reported in the literature in individuals affected with LTBP3-related conditions. Experimental studies and prediction algorithms are not available or were not evaluated, and the functional significance of this variant is currently unknown. In summary, the available evidence is currently insufficient to determine the role of this variant in disease. Therefore, it has been classified as a Variant of Uncertain Significance.

NM_001130144.3(LTBP3):c.3673_3687del (p.Ser1225_Val1229del)

Gene: LTBP3 (latent transforming growth factor beta binding protein 3; minus strand). Cytogenetic location: 11q13.1.
Variant type: Deletion.
Coding change: c.3673_3687del on transcript NM_001130144.3 (MANE Select); coding-DNA positions 3673 to 3687, 15 bases deleted (AGTGGCCGCTGCGTG).
Protein change: p.Ser1225_Val1229del.
Genome position (GRCh38, 1-based): chr11:65,539,401-65,539,415, CACGCAGCGGCCACT deleted on the plus strand (AGTGGCCGCTGCGTG on the coding strand, the reverse complement: LTBP3 is on the minus strand); deleting any 15 consecutive bases within chr11:65,539,401-65,539,424 gives the same sequence; the c. name uses the placement nearest the transcript's 3' end. VCF-style (leftmost placement, unchanged base first): chr11-65539400-GCACGCAGCGGCCACT-G. GRCh37 (hg19) VCF-style: chr11-65306871-GCACGCAGCGGCCACT-G.
Other names: c.3181_3195del, p.Ser1061_Val1065del (NM_001164266.1); c.3532_3546del, p.Ser1178_Val1182del (NM_021070.4).
Identifiers: ClinVar variation 3690189 (VCV003690189.2).